The following is an entry in ClinVar:

ClinVar aggregate classification (germline): Uncertain significance (1 of 4 stars; one submission).

gnomAD v4.1: 2 of 1,614,046 alleles (0.00012%); highest among the groups gnomAD compares: South Asian, 0.0022%; no homozygotes.

Submission:

Labcorp Genetics (formerly Invitae), Labcorp
Classification: Uncertain significance. Last evaluated: 2024-12-22. Review status: criteria provided, single submitter. Criteria: Invitae Variant Classification Sherloc (09022015). Collection method: clinical testing. Allele origin: germline.
Comment: This sequence change replaces proline, which is neutral and non-polar, with serine, which is neutral and polar, at codon 467 of the PPM1D protein (p.Pro467Ser). This variant is present in population databases (rs752448334, gnomAD 0.006%). This variant has not been reported in the literature in individuals affected with PPM1D-related conditions. An algorithm developed to predict the effect of missense changes on protein structure and function outputs the following: PolyPhen-2: "Benign". The serine amino acid residue is found in multiple mammalian species, which suggests that this missense change does not adversely affect protein function. In summary, the available evidence is currently insufficient to determine the role of this variant in disease. Therefore, it has been classified as a Variant of Uncertain Significance.

NM_003620.4(PPM1D):c.1399C>T (p.Pro467Ser)

Gene: PPM1D (protein phosphatase, Mg2+/Mn2+ dependent 1D; plus strand). Cytogenetic location: 17q23.2.
Variant type: single nucleotide variant.
Coding change: c.1399C>T on transcript NM_003620.4 (MANE Select); coding-DNA position 1399, C replaced by T.
Protein change: p.Pro467Ser; replaces proline 467 with serine.
Molecular consequence: missense variant.
Genome position (GRCh38, 1-based): chr17:60,663,133, C>T. VCF-style: chr17-60663133-C-T. GRCh37 (hg19) VCF-style: chr17-58740494-C-T.
Other names: short protein forms P467S.
Identifiers: ClinVar variation 3634339 (VCV003634339.2).